The following is an entry in ClinVar:

NM_000285.4(PEPD):c.1152G>C (p.Glu384Asp)

Gene: PEPD (peptidase D; minus strand). Cytogenetic location: 19q13.11.
Variant type: single nucleotide variant.
Coding change: c.1152G>C on transcript NM_000285.4 (MANE Select); coding-DNA position 1152, G replaced by C.
Protein change: p.Glu384Asp; replaces glutamic acid 384 with aspartic acid.
Molecular consequence: missense variant.
Genome position (GRCh38, 1-based): chr19:33,391,295, C>G on the plus strand (G>C on the coding strand, the complement: PEPD is on the minus strand). VCF-style: chr19-33391295-C-G. GRCh37 (hg19) VCF-style: chr19-33882201-C-G.
Other names: c.1029G>C, p.Glu343Asp (NM_001166056.2); c.960G>C, p.Glu320Asp (NM_001166057.2); short protein forms E320D, E343D, E384D.
Identifiers: ClinVar variation 4772903 (VCV004772903.1).

ClinVar aggregate classification (germline): Uncertain significance (1 of 4 stars; one submission).

Submission:

Labcorp Genetics (formerly Invitae), Labcorp
Classification: Uncertain significance. Last evaluated: 2025-06-14. Review status: criteria provided, single submitter. Criteria: Invitae Variant Classification Sherloc (09022015). Collection method: clinical testing. Allele origin: germline.
Comment: This sequence change replaces glutamic acid, which is acidic and polar, with aspartic acid, which is acidic and polar, at codon 384 of the PEPD protein (p.Glu384Asp). This variant also falls at the last nucleotide of exon 13, which is part of the consensus splice site for this exon. This variant is not present in population databases (gnomAD no frequency). This variant has not been reported in the literature in individuals affected with PEPD-related conditions. Invitae Evidence Modeling of protein sequence and biophysical properties (such as structural, functional, and spatial information, amino acid conservation, physicochemical variation, residue mobility, and thermodynamic stability) indicates that this missense variant is not expected to disrupt PEPD protein function with a negative predictive value of 95%. Variants that disrupt the consensus splice site are a relatively common cause of aberrant splicing (PMID: 17576681, 9536098). Algorithms developed to predict the effect of sequence changes on RNA splicing suggest that this variant may disrupt the consensus splice site. In summary, the available evidence is currently insufficient to determine the role of this variant in disease. Therefore, it has been classified as a Variant of Uncertain Significance.

Literature cited by the submitters: PubMed 17576681; PubMed 9536098.